The following is an entry in ClinVar:

ClinVar aggregate classification (germline): Uncertain significance (1 of 4 stars; one submission).

Allele frequency attached by ClinVar (database versions not stated): gnomAD exomes 0.00002.
gnomAD v4.1: 27 of 1,613,744 alleles (0.0017%); highest among the groups gnomAD compares: Non-Finnish European, 0.0023%; no homozygotes.

Submission:

GeneDx
Classification: Uncertain significance. Last evaluated: 2017-07-21. Review status: criteria provided, single submitter. Criteria: GeneDx Variant Classification (06012015). Collection method: clinical testing. Allele origin: germline. Affected: yes.
Comment: The I944T variant in the NNT gene has not been reported previously as a pathogenic variant, nor as a benign variant, to our knowledge. The I944T variant is not observed in large population cohorts (Lek et al., 2016; 1000 Genomes Consortium et al., 2015; Exome Variant Server). The I944T variant is a non-conservative amino acid substitution, which is likely to impact secondary protein structure as these residues differ in polarity, charge, size and/or other properties. This substitution occurs at a position that is conserved across species. In silico analysis predicts this variant is probably damaging to the protein structure/function. We interpret I944T as a variant of uncertain significance.

NM_182977.3(NNT):c.2831T>C (p.Ile944Thr)

Gene: NNT (nicotinamide nucleotide transhydrogenase; plus strand). Cytogenetic location: 5p12.
Variant type: single nucleotide variant.
Coding change: c.2831T>C on transcript NM_182977.3 (MANE Select); coding-DNA position 2831, T replaced by C.
Protein change: p.Ile944Thr; replaces isoleucine 944 with threonine.
Molecular consequence: missense variant.
Genome position (GRCh38, 1-based): chr5:43,677,761, T>C. VCF-style: chr5-43677761-T-C. GRCh37 (hg19) VCF-style: chr5-43677863-T-C.
Other names: c.2438T>C, p.Ile813Thr (NM_001331026.2); c.2831T>C, p.Ile944Thr (NM_012343.4); short protein forms I944T, I813T.
Identifiers: ClinVar variation 450628 (VCV000450628.2), dbSNP rs1554054013, ClinGen allele CA359670957.